The following is an entry in ClinVar:

ClinVar aggregate classification (germline): Uncertain significance (1 of 4 stars; one submission).

Conditions:
Renal cell carcinoma. Identifiers: Orphanet 217071, MedGen C0007134, MeSH D002292, MONDO:0005086, HP:0005584.

gnomAD v4.1: 1 of 1,608,618 alleles (0.000062%); highest among the groups gnomAD compares: Non-Finnish European, 0.000085%; no homozygotes.

Submission:

Labcorp Genetics (formerly Invitae), Labcorp
Classification: Uncertain significance for Renal cell carcinoma. Last evaluated: 2022-02-24. Review status: criteria provided, single submitter. Criteria: Invitae Variant Classification Sherloc (09022015). Collection method: clinical testing. Allele origin: germline.
Comment: In summary, the available evidence is currently insufficient to determine the role of this variant in disease. Therefore, it has been classified as a Variant of Uncertain Significance. Algorithms developed to predict the effect of missense changes on protein structure and function are either unavailable or do not agree on the potential impact of this missense change (SIFT: "Deleterious"; PolyPhen-2: "Benign"; Align-GVGD: "Class C0"). This variant has not been reported in the literature in individuals affected with MET-related conditions. This variant is not present in population databases (gnomAD no frequency). This sequence change replaces phenylalanine, which is neutral and non-polar, with leucine, which is neutral and non-polar, at codon 343 of the MET protein (p.Phe343Leu).

NM_000245.4(MET):c.1029C>A (p.Phe343Leu)

Gene: MET (MET proto-oncogene, receptor tyrosine kinase; plus strand). Cytogenetic location: 7q31.2.
Variant type: single nucleotide variant.
Coding change: c.1029C>A on transcript NM_000245.4 (MANE Select); coding-DNA position 1029, C replaced by A.
Protein change: p.Phe343Leu; replaces phenylalanine 343 with leucine.
Molecular consequence: missense variant. On other transcripts: intron variant (1).
Genome position (GRCh38, 1-based): chr7:116,700,113, C>A. VCF-style: chr7-116700113-C-A. GRCh37 (hg19) VCF-style: chr7-116340167-C-A.
Other names: c.1029C>A, p.Phe343Leu (NM_001127500.3, NM_001324401.3); c.-91+27536C>A (NM_001324402.2); short protein forms F343L.
Identifiers: ClinVar variation 1990123 (VCV001990123.4), dbSNP rs56340719, ClinGen allele CA368970384.
Genomic context (GRCh38, chr7:116,700,113, plus strand): 5'-CAAGCCTGGGGCCCAGCTTGCTAGACAAATAGGAGCCAGCCTGAATGATGACATTCTTTT[C>A]GGGGTGTTCGCACAAAGCAAGCCAGATTCTGCCGAACCAATGGATCGATCTGCCATGTGT-3'
Protein context (NP_000236.2, residues 333-353): IGASLNDDIL[Phe343Leu]GVFAQSKPDS